The following is an entry in ClinVar:

ClinVar aggregate classification (germline): Uncertain significance (1 of 4 stars; one submission).

Conditions:
Immunodeficiency 14 (IMD14A). Also called: p110-DELTA-ACTIVATING MUTATION CAUSING SENESCENT T CELLS, LYMPHADENOPATHY, AND IMMUNODEFICIENCY; ACTIVATED PI3K-DELTA SYNDROME 1; Activated PI3K Delta Syndrome Type 1 (APDS1); IMMUNODEFICIENCY 14A WITH LYMPHOPROLIFERATION, AUTOSOMAL DOMINANT. Identifiers: Orphanet 397596, Orphanet 693661, MedGen C5907821, MONDO:0014222, OMIM 615513.

gnomAD v4.1: 5 of 1,613,684 alleles (0.00031%); highest among the groups gnomAD compares: East Asian, 0.0067%; no homozygotes.

Submission:

Labcorp Genetics (formerly Invitae), Labcorp
Classification: Uncertain significance for Activated PI3K-delta syndrome. Last evaluated: 2025-04-09. Review status: criteria provided, single submitter. Criteria: Invitae Variant Classification Sherloc (09022015). Collection method: clinical testing. Allele origin: germline.
Comment: This sequence change replaces alanine, which is neutral and non-polar, with threonine, which is neutral and polar, at codon 694 of the PIK3CD protein (p.Ala694Thr). This variant is not present in population databases (gnomAD no frequency). This variant has not been reported in the literature in individuals affected with PIK3CD-related conditions. Invitae Evidence Modeling of protein sequence and biophysical properties (such as structural, functional, and spatial information, amino acid conservation, physicochemical variation, residue mobility, and thermodynamic stability) indicates that this missense variant is not expected to disrupt PIK3CD protein function with a negative predictive value of 80%. In summary, the available evidence is currently insufficient to determine the role of this variant in disease. Therefore, it has been classified as a Variant of Uncertain Significance.

NM_005026.5(PIK3CD):c.2080G>A (p.Ala694Thr)

Gene: PIK3CD (phosphatidylinositol-4,5-bisphosphate 3-kinase catalytic subunit delta; plus strand). Cytogenetic location: 1p36.22.
Variant type: single nucleotide variant.
Coding change: c.2080G>A on transcript NM_005026.5 (MANE Select); coding-DNA position 2080, G replaced by A.
Protein change: p.Ala694Thr; replaces alanine 694 with threonine.
Molecular consequence: missense variant.
Genome position (GRCh38, 1-based): chr1:9,721,999, G>A. VCF-style: chr1-9721999-G-A. GRCh37 (hg19) VCF-style: chr1-9782057-G-A.
Other names: c.2077G>A, p.Ala693Thr (NM_001350234.2, NM_001439206.1); c.1993G>A, p.Ala665Thr (NM_001350235.1); c.2080G>A, p.Ala694Thr (NM_001437546.1); c.1936G>A, p.Ala646Thr (NM_001437547.1, NM_001438338.1); short protein forms A694T, A646T, A693T, A665T.
Identifiers: ClinVar variation 4742143 (VCV004742143.1).
Genomic context (GRCh38, chr1:9,721,999, plus strand): 5'-GACCTGCCCACCGCCGCCCTCCCATCTGCCCACCAGGGGGAAGCACTGAGCAAACTGAAG[G>A]CCCTGAATGACTTCGTCAAGCTGAGCTCTCAGAAGACCCCCAAGCCCCAGACCAAGGAGC-3'
Protein context (NP_005017.3, residues 684-704): KQGEALSKLK[Ala694Thr]LNDFVKLSSQ